The following is an entry in ClinVar:

ClinVar aggregate classification (germline): Pathogenic (1 of 4 stars; one submission).

Submission:

Labcorp Genetics (formerly Invitae), Labcorp
Classification: Pathogenic. Last evaluated: 2022-07-12. Review status: criteria provided, single submitter. Criteria: Invitae Variant Classification Sherloc (09022015). Collection method: clinical testing. Allele origin: germline.
Comment: For these reasons, this variant has been classified as Pathogenic. ClinVar contains an entry for this variant (Variation ID: 1449532). This variant has not been reported in the literature in individuals affected with C6-related conditions. This variant is not present in population databases (gnomAD no frequency). This sequence change creates a premature translational stop signal (p.Asp696Metfs*18) in the C6 gene. It is expected to result in an absent or disrupted protein product. Loss-of-function variants in C6 are known to be pathogenic (PMID: 17257682).

Literature cited by the submitters: PubMed 17257682.

NM_000065.5(C6):c.2086del (p.Asp696fs)

Gene: C6 (complement C6; minus strand). Cytogenetic location: 5p13.1.
Variant type: Deletion.
Coding change: c.2086del on transcript NM_000065.5 (MANE Select); coding-DNA position 2086, one base deleted (G; older notation c.2086delG).
Protein change: p.Asp696fs; shifts the reading frame from aspartic acid 696.
Molecular consequence: frameshift variant.
Genome position (GRCh38, 1-based): chr5:41,154,987, C deleted on the plus strand (G on the coding strand, the reverse complement: C6 is on the minus strand); the first of 4 consecutive C bases (chr5:41,154,987-41,154,990); deleting any one gives the same sequence. VCF-style (leftmost placement, unchanged base first): chr5-41154986-TC-T. GRCh37 (hg19) VCF-style: chr5-41155088-TC-T.
Other names: c.2086del, p.Asp696fs (NM_001115131.4); short protein forms D696fs.
Identifiers: ClinVar variation 1449532 (VCV001449532.6), dbSNP rs2150247662, ClinGen allele CA2573139632.